The following is an entry in ClinVar:

NM_000368.5(TSC1):c.1795G>A (p.Gly599Arg)

Gene: TSC1 (TSC complex subunit 1; minus strand). Cytogenetic location: 9q34.13.
Variant type: single nucleotide variant.
Coding change: c.1795G>A on transcript NM_000368.5 (MANE Select); coding-DNA position 1795, G replaced by A.
Protein change: p.Gly599Arg; replaces glycine 599 with arginine.
Molecular consequence: missense variant.
Genome position (GRCh38, 1-based): chr9:132,905,783, C>T on the plus strand (G>A on the coding strand, the complement: TSC1 is on the minus strand). VCF-style: chr9-132905783-C-T. GRCh37 (hg19) VCF-style: chr9-135781170-C-T.
Other names: c.1792G>A, p.Gly598Arg (NM_001162426.2); c.1642G>A, p.Gly548Arg (NM_001162427.2); c.1432G>A, p.Gly478Arg (NM_001362177.2); short protein forms G599R, G548R, G478R, G598R.
Identifiers: ClinVar variation 387643 (VCV000387643.23), dbSNP rs761959210, ClinGen allele CA029789.
Genomic context (GRCh38, chr9:132,905,783, plus strand): 5'-AATGATGGGCTGTCTTTGGCAATGCCACCTCAAAAAGATGATCATACGGGGGAGGCTGCC[C>T]GCTTCCAAAGCCCACTCTCGTCGGAGGTGGAATTTTACAAGGACTGGGAGTGAAGATACT-3'
Protein context (NP_000359.1, residues 589-609): PPPTRVGFGS[Gly599Arg]QPPPYDHLFE

ClinVar aggregate classification (germline): Benign/Likely benign. Review status: criteria provided, multiple submitters, no conflicts (2 of 4 stars). 6 submissions from 6 submitters: Benign (1); Likely benign (4). 1 of the submissions does not count toward it. Last evaluated 2026-01-08.

Conditions:
TSC1-related disorder. Also called: TSC1-related condition.
Hereditary cancer-predisposing syndrome. Also called: Neoplastic Syndromes, Hereditary; Hereditary neoplastic syndrome; Tumor predisposition; Hereditary Cancer Syndrome. Identifiers: Orphanet 140162, MedGen C0027672, MeSH D009386, MONDO:0015356.
Tuberous sclerosis syndrome (TSC). Also called: Tuberous sclerosis; Tuberous Sclerosis Complex. Identifiers: Orphanet 805, MedGen C0041341, MONDO:0001734.
Tuberous sclerosis 1 (TSC1). Identifiers: Orphanet 805, MedGen C1854465, MONDO:0008612, OMIM 191100.

Allele frequency attached by ClinVar (database versions not stated): gnomAD 0.00001; ExAC 0.00002; TOPMed 0.00002; gnomAD exomes 0.00003.
gnomAD v4.1: 77 of 1,614,028 alleles (0.0048%); highest among the groups gnomAD compares: Non-Finnish European, 0.0055%; no homozygotes.

Submissions (6):

Labcorp Genetics (formerly Invitae), Labcorp
Classification: Benign for Tuberous sclerosis 1. Last evaluated: 2026-01-08. Review status: criteria provided, single submitter. Criteria: Invitae Variant Classification Sherloc (09022015). Collection method: clinical testing. Allele origin: germline.

All of Us Research Program, National Institutes of Health
Classification: Likely benign for Tuberous sclerosis syndrome. Last evaluated: 2023-12-13. Review status: criteria provided, single submitter. Criteria: ACMG Guidelines, 2015. Collection method: clinical testing. Allele origin: germline. Inheritance: Autosomal dominant inheritance. Observed: 4 variant alleles, 4 heterozygotes.
Comment: This missense variant replaces glycine with arginine at codon 599 of the TSC1 protein. Computational prediction suggests that this variant may not impact protein structure and function (internally defined REVEL score threshold <= 0.5, PMID: 27666373). To our knowledge, functional studies have not been reported for this variant. This variant has not been reported in individuals affected with TSC1-related disorders in the literature. This variant has been identified in 8/251088 chromosomes in the general population by the Genome Aggregation Database (gnomAD). The available evidence is insufficient to determine the role of this variant in disease conclusively. Therefore, this variant is classified as a Variant of Uncertain Significance.

This study involves interpretation of variants in research participants for the purpose of population health screening. Participant phenotype was not available at the time of variant classification. Additional details can be found in publication PMID: 35346344, PMCID: PMC8962531

Ambry Genetics
Classification: Likely benign for Hereditary cancer-predisposing syndrome. Last evaluated: 2022-03-18. Review status: criteria provided, single submitter. Criteria: Ambry Variant Classification Scheme 2023. Collection method: clinical testing. Allele origin: germline.

Genome-Nilou Lab
Classification: Likely benign for Tuberous sclerosis 1. Last evaluated: 2021-11-07. Review status: criteria provided, single submitter. Criteria: ACMG Guidelines, 2015. Collection method: clinical testing. Allele origin: germline. Affected: no.

GeneDx
Classification: Likely benign. Last evaluated: 2021-02-03. Review status: criteria provided, single submitter. Criteria: GeneDx Variant Classification Process June 2021. Collection method: clinical testing. Allele origin: germline. Affected: yes.
Comment: This variant is associated with the following publications: (PMID: 22558107)

PreventionGenetics, part of Exact Sciences
Classification: Likely benign for TSC1-related condition. Last evaluated: 2023-12-20. Review status: no assertion criteria provided. Collection method: clinical testing. Allele origin: germline. Not counted in ClinVar's aggregate classification.
Comment: This variant is classified as likely benign based on ACMG/AMP sequence variant interpretation guidelines (Richards et al. 2015 PMID: 25741868, with internal and published modifications).

Literature cited by the submitters: PubMed 22558107 (cited by Ambry Genetics).